The following is an entry in ClinVar:

NM_000536.4(RAG2):c.1421A>G (p.Asn474Ser)

Gene: RAG2 (recombination activating 2; minus strand). Cytogenetic location: 11p12.
Variant type: single nucleotide variant.
Coding change: c.1421A>G on transcript NM_000536.4 (MANE Select); coding-DNA position 1421, A replaced by G.
Protein change: p.Asn474Ser; replaces asparagine 474 with serine.
Molecular consequence: missense variant.
Genome position (GRCh38, 1-based): chr11:36,592,748, T>C on the plus strand (A>G on the coding strand, the complement: RAG2 is on the minus strand). VCF-style: chr11-36592748-T-C. GRCh37 (hg19) VCF-style: chr11-36614298-T-C.
Other names: NM_000536.4(RAG2):c.1421A>G; p.Asn474Ser; c.1421A>G, p.Asn474Ser (NM_001243785.2, NM_001243786.2); short protein forms N474S.
Identifiers: ClinVar variation 496633 (VCV000496633.6), dbSNP rs757913323, ClinGen allele CA5950417.

ClinVar aggregate classification (germline): Uncertain significance. Review status: reviewed by expert panel (3 of 4 stars). 5 submissions from 5 submitters: Uncertain significance (1). 4 of the submissions do not count toward it. Last evaluated 2024-01-23.

Conditions:
Combined immunodeficiency with skin granulomas. Identifiers: Orphanet 157949, MedGen C2673536, MONDO:0009306, OMIM 233650.
Severe combined immunodeficiency, autosomal recessive, T cell-negative, B cell-negative, NK cell-positive. Also called: SCID, AR, T-cell negative, B-cell negative, NK cell-positive; Severe combined immunodeficiency due to complete RAG1/2 deficiency; SCID, T CELL-NEGATIVE, B CELL-NEGATIVE, NK CELL-POSITIVE. Identifiers: Orphanet 331206, MedGen C1832322, MONDO:0011086, OMIM 601457.
Histiocytic medullary reticulosis. Also called: SEVERE COMBINED IMMUNODEFICIENCY WITH HYPEREOSINOPHILIA; Omenn syndrome. Identifiers: Orphanet 39041, MedGen C2700553, MONDO:0011338, OMIM 603554.
Recombinase activating gene 2 deficiency. Also called: RAG2 deficiency. Identifiers: MedGen CN257931, MONDO:0000573.
Inborn error of immunity. Also called: Inborn errors of immunity; Primary immunodeficiency. Identifiers: Orphanet 101997, MedGen C0398686, MONDO:0003778.

Allele frequency attached by ClinVar (database versions not stated): ExAC 0.00001; gnomAD 0.00001; gnomAD exomes 0.00001 and 0.00002; TOPMed 0.00003.
gnomAD v4.1: 15 of 1,614,004 alleles (0.00093%); highest among the groups gnomAD compares: South Asian, 0.0022%; no homozygotes.

Submissions (5):

ClinGen Severe Combined Immunodeficiency Variant Curation Expert Panel, ClinGen
Classification: Uncertain significance for Recombinase activating gene 2 deficiency. Last evaluated: 2024-01-23. Review status: reviewed by expert panel. Criteria: ClinGen SCID ACMG Specifications RAG2 V1.0.0. Collection method: curation. Allele origin: germline. Inheritance: Autosomal recessive inheritance.
Comment: The c.1421A>G (NM_000536.4) variant in RAG2 is a missense variant predicted to cause substitution of Asparagine by Serine at amino acid 474 (p.Asn474Ser). The filtering allele frequency (the upper threshold of the 95% CI of 2/30614 alleles) of the c.1421A>G variant in RAG2 is 0.00001082 for South Asian chromosomes by gnomAD v2.1.1, which is lower than the ClinGen SCID VCEP threshold (<0.0000588) for PM2_Supporting, and therefore meets this criterion (PM2_Supporting). No homozygotes have been observed in gnomAD. This variant is located in the PHD domain, amino acids 414-487 of RAG2, which is defined as a critical functional domain by the ClinGen SCID VCEP (PMID: 26996199); PM1_Moderate. However, two functional assays published in the literature showed that this variant did not show differences in contrast with wild-type, both in the quantitative assay: The recombination activity assay showed activity of this variant compared to wildtype RAG2 is 97.5% (SEM 5.9), which is higher than the SCID VCEP threshold for Moderate (<25%) or Supporting (25-60%) level of evidence (PMID 29772310) AND in the qualitative assay: The analyses had not yet identified any particular defect associated with the N474S mutation (PMID: 20234091); Thus, PS3 is not applied. Diagnostic criteria for SCID (Criterion 1: Very Low T cells <0.05x109/L + Criterion 3 No alternate explanation for low t-cell count AND <20% of CD4+ T cell have naive cell surface markers - based on CD45RA and CD45R0 count) 0.5pts + T-B-NK+ lymphocyte subset profile 0.5pts, the total is 1 point, PP4 is met (PMID: 11133745). This patient is homozygous, 0.5 pts, PM3 is met at supporting level. In summary, this variant meets the criteria to be classified as a variant of uncertain significance for autosomal recessive recombinase activating gene 2 deficiency based on the ACMG/AMP criteria applied, as specified by the ClinGen SCID VCEP. Criteria applied: PM2_Supporting, PM1_Moderate, PP4, and PM3_Supporting (VCEP specifications version 1.0).

Blueprint Genetics
Classification: Uncertain significance. Last evaluated: 2022-10-06. Review status: criteria provided, single submitter. Criteria: ACMG Guidelines, 2015. Collection method: clinical testing. Allele origin: germline. Not counted in ClinVar's aggregate classification.

Labcorp Genetics (formerly Invitae), Labcorp
Classification: Uncertain significance for Combined immunodeficiency with skin granulomas; Severe combined immunodeficiency, autosomal recessive, T cell-negative, B cell-negative, NK cell-positive. Last evaluated: 2022-06-04. Review status: criteria provided, single submitter. Criteria: Invitae Variant Classification Sherloc (09022015). Collection method: clinical testing. Allele origin: germline. Not counted in ClinVar's aggregate classification.
Comment: This sequence change replaces asparagine, which is neutral and polar, with serine, which is neutral and polar, at codon 474 of the RAG2 protein (p.Asn474Ser). This variant is present in population databases (rs757913323, gnomAD 0.006%). This missense change has been observed in individual(s) with severe combined immunodeficiency (SCID) (PMID: 11133745). ClinVar contains an entry for this variant (Variation ID: 496633). Advanced modeling of protein sequence and biophysical properties (such as structural, functional, and spatial information, amino acid conservation, physicochemical variation, residue mobility, and thermodynamic stability) performed at Invitae indicates that this missense variant is not expected to disrupt RAG2 protein function. Experimental studies have shown that this missense change does not substantially affect RAG2 function (PMID: 20234091, 26692406, 29772310). In summary, the available evidence is currently insufficient to determine the role of this variant in disease. Therefore, it has been classified as a Variant of Uncertain Significance.

Pediatric Immunology Service, The Chaim Sheba Medical Center at Tel HaShomer
Classification: Likely benign for RAG2 deficiency; Primary immunodeficiency; Severe combined immunodeficiency due to complete RAG1/2 deficiency. Last evaluated: 2018-03-06. Review status: criteria provided, single submitter. Criteria: ACMG Guidelines, 2015. Collection method: research. Allele origin: germline. Affected: no. Not counted in ClinVar's aggregate classification.

Natera, Inc.
Classification: Uncertain significance for Omenn syndrome. Last evaluated: 2020-02-19. Review status: no assertion criteria provided. Collection method: clinical testing. Allele origin: germline. Not counted in ClinVar's aggregate classification.

Literature cited by the submitters: PubMed 11133745 (cited by Labcorp Genetics (formerly Invitae), Labcorp and Pediatric Immunology Service, The Chaim Sheba Medical Center at Tel HaShomer); PubMed 20234091 (cited by Labcorp Genetics (formerly Invitae), Labcorp); PubMed 26692406 (cited by Labcorp Genetics (formerly Invitae), Labcorp); PubMed 29772310 (cited by Labcorp Genetics (formerly Invitae), Labcorp).